The following is an entry in ClinVar:

NM_001369.3(DNAH5):c.7967T>C (p.Ile2656Thr)

Gene: DNAH5 (dynein axonemal heavy chain 5; minus strand). Cytogenetic location: 5p15.2.
Variant type: single nucleotide variant.
Coding change: c.7967T>C on transcript NM_001369.3 (MANE Select); coding-DNA position 7967, T replaced by C.
Protein change: p.Ile2656Thr; replaces isoleucine 2656 with threonine.
Molecular consequence: missense variant.
Genome position (GRCh38, 1-based): chr5:13,793,979, A>G on the plus strand (T>C on the coding strand, the complement: DNAH5 is on the minus strand). VCF-style: chr5-13793979-A-G. GRCh37 (hg19) VCF-style: chr5-13794088-A-G.
Other names: short protein forms I2656T.
Identifiers: ClinVar variation 1012296 (VCV001012296.5), dbSNP rs752318477, ClinGen allele CA3202943.

ClinVar aggregate classification (germline): Conflicting classifications of pathogenicity. Review status: criteria provided, conflicting classifications (1 of 4 stars). 3 submissions from 3 submitters: Likely pathogenic (2); Uncertain significance (1). Last evaluated 2026-06-03.

Conditions:
Primary ciliary dyskinesia 3. Identifiers: Orphanet 244, MedGen C1837618, MONDO:0012085, OMIM 608644.

Allele frequency attached by ClinVar (database versions not stated): gnomAD exomes below 0.00001 and 0.00001; TOPMed below 0.00001; ExAC 0.00001; gnomAD 0.00001.
gnomAD v4.1: 7 of 1,614,026 alleles (0.00043%); highest among the groups gnomAD compares: East Asian, 0.0067%; no homozygotes.

Submissions (3):

Myriad Genetics, Inc.
Classification: Uncertain significance for Primary ciliary dyskinesia 3. Last evaluated: 2026-06-03. Review status: criteria provided, single submitter. Criteria: Myriad Autosomal Dominant, Autosomal Recessive and X-Linked Classification Criteria (2023). Collection method: clinical testing. Allele origin: unknown.
Comment: NM_001369.2(DNAH5):c.7967T>C(I2656T) is a missense variant classified as a variant of uncertain significance in the context of primary ciliary dyskinesia, DNAH5-related. I2656T has been observed in cases with relevant disease (PMID: 33942430, 36864285). Relevant functional assessments of this variant are not available in the literature. I2656T has been observed in referenced population frequency databases. In summary, there is insufficient evidence to classify NM_001369.2(DNAH5):c.7967T>C(I2656T) as pathogenic or benign. Please note: this variant was assessed in the context of healthy population screening.

Beijing Key Laboratry for Genetics of Birth Defects, Beijing Children's Hospital
Classification: Likely pathogenic for Primary ciliary dyskinesia 3. Last evaluated: 2020-12-20. Review status: criteria provided, single submitter. Criteria: ACMG Guidelines, 2015. Collection method: clinical testing. Allele origin: germline. Affected: yes. Observed: 1 variant allele.

Juno Genomics, Hangzhou Juno Genomics, Inc
Classification: Likely pathogenic for Primary ciliary dyskinesia 3. Review status: criteria provided, single submitter. Criteria: ACMG Guidelines, 2015. Collection method: clinical testing. Allele origin: germline.
Comment: Absent from controls (or at extremely low frequency if recessive) in Genome Aggregation Database.;Multiple lines of computational evidence support a deleterious effect on the gene or gene product.;For recessive disorders, detected in trans with a pathogenic variant.;Patient's phenotype or family history is highly specific for a disease with a single genetic etiology.

Literature cited by the submitters: PubMed 33942430 (cited by Myriad Genetics, Inc.); PubMed 36864285 (cited by Myriad Genetics, Inc.).